The following is an entry in ClinVar:

ClinVar aggregate classification (germline): Pathogenic. Review status: criteria provided, multiple submitters, no conflicts (2 of 4 stars). 2 submissions from 2 submitters: Pathogenic (2). Last evaluated 2023-06-11.

Conditions:
Hereditary cancer-predisposing syndrome. Also called: Hereditary Cancer Syndrome; Neoplastic Syndromes, Hereditary; Tumor predisposition; Hereditary neoplastic syndrome. Identifiers: Orphanet 140162, MedGen C0027672, MeSH D009386, MONDO:0015356.
Hereditary nonpolyposis colorectal neoplasms. Identifiers: MedGen C0009405, MeSH D003123.

Submissions (2):

Labcorp Genetics (formerly Invitae), Labcorp
Classification: Pathogenic for Hereditary nonpolyposis colorectal neoplasms. Last evaluated: 2023-06-11. Review status: criteria provided, single submitter. Criteria: Invitae Variant Classification Sherloc (09022015). Collection method: clinical testing. Allele origin: germline.
Comment: This variant has not been reported in the literature in individuals affected with PMS2-related conditions. For these reasons, this variant has been classified as Pathogenic. ClinVar contains an entry for this variant (Variation ID: 1745665). This variant is not present in population databases (gnomAD no frequency). This sequence change creates a premature translational stop signal (p.Glu172*) in the PMS2 gene. It is expected to result in an absent or disrupted protein product. Loss-of-function variants in PMS2 are known to be pathogenic (PMID: 21376568, 24362816).

Ambry Genetics
Classification: Pathogenic for Hereditary cancer-predisposing syndrome. Last evaluated: 2018-02-06. Review status: criteria provided, single submitter. Criteria: Ambry Variant Classification Scheme 2023. Collection method: clinical testing. Allele origin: germline.
Comment: The p.E172* pathogenic mutation (also known as c.514G>T), located in coding exon 5 of the PMS2 gene, results from a G to T substitution at nucleotide position 514. This changes the amino acid from a glutamic acid to a stop codon within coding exon 5. This alteration is expected to result in loss of function by premature protein truncation or nonsense-mediated mRNA decay. As such, this alteration is interpreted as a disease-causing mutation.

Literature cited by the submitters: PubMed 21376568 (cited by Labcorp Genetics (formerly Invitae), Labcorp); PubMed 24362816 (cited by Labcorp Genetics (formerly Invitae), Labcorp).

NM_000535.7(PMS2):c.514G>T (p.Glu172Ter)

Gene: PMS2 (PMS1 homolog 2, mismatch repair system component; minus strand). Cytogenetic location: 7p22.1.
Variant type: single nucleotide variant.
Coding change: c.514G>T on transcript NM_000535.7 (MANE Select); coding-DNA position 514, G replaced by T.
Protein change: p.Glu172Ter; replaces glutamic acid 172 with a stop codon.
Molecular consequence: nonsense. On other transcripts: 5 prime UTR variant (2), non-coding transcript variant (1).
Genome position (GRCh38, 1-based): chr7:6,002,476, C>A on the plus strand (G>T on the coding strand, the complement: PMS2 is on the minus strand). VCF-style: chr7-6002476-C-A. GRCh37 (hg19) VCF-style: chr7-6042107-C-A.
Other names: c.109G>T, p.Glu37Ter (NM_001018040.1, NM_001322003.2, NM_001322004.2 and 25 more transcripts); c.514G>T, p.Glu172Ter (NM_001322006.2, NM_001322014.2, NM_001406869.1 and 8 more transcripts); c.196G>T, p.Glu66Ter (NM_001322007.2, NM_001322008.2, NM_001406876.1 and 4 more transcripts); c.-371G>T (NM_001322011.2, NM_001322012.2); c.205G>T, p.Glu69Ter (NM_001322015.2, NM_001406875.1, NM_001406877.1 and 6 more transcripts); c.700G>T, p.Glu234Ter (NM_001406866.1); c.538G>T, p.Glu180Ter (NM_001406868.1); short protein forms E37*, E180*, E234*, E69*, E172*, E66*.
Identifiers: ClinVar variation 1745665 (VCV001745665.5), dbSNP rs876660196, ClinGen allele CA366744201.